The following is an entry in ClinVar:

NM_024757.5(EHMT1):c.3029T>C (p.Val1010Ala)

Gene: EHMT1 (euchromatic histone lysine methyltransferase 1; plus strand). Cytogenetic location: 9q34.3.
Variant type: single nucleotide variant.
Coding change: c.3029T>C on transcript NM_024757.5 (MANE Select); coding-DNA position 3029, T replaced by C.
Protein change: p.Val1010Ala; replaces valine 1010 with alanine.
Molecular consequence: missense variant.
Genome position (GRCh38, 1-based): chr9:137,813,167, T>C. VCF-style: chr9-137813167-T-C. GRCh37 (hg19) VCF-style: chr9-140707619-T-C.
Other names: c.3008T>C, p.Val1003Ala (NM_001354263.2); short protein forms V1003A, V1010A.
Identifiers: ClinVar variation 4885104 (VCV004885104.2).

ClinVar aggregate classification (germline): Uncertain significance (1 of 4 stars; one submission).

gnomAD v4.1: 1 of 1,609,074 alleles (0.000062%); highest among the groups gnomAD compares: Non-Finnish European, 0.000085%; no homozygotes.

Submission:

Dasa
Classification: Uncertain significance. Last evaluated: 2026-01-30. Review status: criteria provided, single submitter. Criteria: DASA Assertion Criteria. Collection method: clinical testing. Allele origin: germline.
Comment: NM_024757.5(EHMT1):c.3029T>C (p.Val1010Ala) is a missense variant that results in the substitution of valine with alanine. This variant is rare in population databases. The currently available literature and clinical evidence are not sufficient to establish a definitive association between this variant and the reported condition. Therefore, this variant is classified as a variant of uncertain significance.